The following is an entry in ClinVar:

NM_153816.6(SNX14):c.510_511dup (p.Arg171fs)

Gene: SNX14 (sorting nexin 14; minus strand). Cytogenetic location: 6q14.3.
Variant type: Duplication.
Coding change: c.510_511dup on transcript NM_153816.6 (MANE Select); coding-DNA positions 510 to 511, 2 bases duplicated (AC; older notation c.510_511dupAC).
Protein change: p.Arg171fs; shifts the reading frame from arginine 171.
Molecular consequence: frameshift variant. On other transcripts: non-coding transcript variant (5), intron variant (6), 5 prime UTR variant (6).
Genome position (GRCh38, 1-based): chr6:85,565,370-85,565,371, GT duplicated on the plus strand (AC on the coding strand, the reverse complement: SNX14 is on the minus strand). VCF-style (leftmost placement, unchanged base first): chr6-85565369-C-CGT. GRCh37 (hg19) VCF-style: chr6-86275087-C-CGT.
Other names: c.258+6766_258+6767dup (NM_001350543.2); c.261+6766_261+6767dup (NM_001350542.2); c.414+6766_414+6767dup (NM_001350537.2); c.-603+6766_-603+6767dup (NM_001350548.2); c.510_511dup, p.Arg171fs (NM_001297614.3, NM_001350538.2, NM_001350540.2 and 1 more transcripts); c.354_355dup, p.Arg119fs (NM_001304479.2, NM_001350544.2); c.573_574dup, p.Arg192fs (NM_001350532.2); c.507_508dup, p.Arg170fs (NM_001350533.2, NM_001350534.2, NM_001350535.2); and 7 more; short protein forms R118fs, R119fs, R170fs, R171fs, R192fs, R23fs.
Identifiers: ClinVar variation 5042604 (VCV005042604.1).

ClinVar aggregate classification (germline): Uncertain significance (1 of 4 stars; one submission).

Conditions:
Autosomal recessive spinocerebellar ataxia 20. Identifiers: Orphanet 397709, MedGen C5190595, MONDO:0014601, OMIM 616354.

Submission:

Cellular and Molecular Research Center, Cellular and Molecular Medicine Research Institute,, Urmia University of Medical Sciences
Classification: Uncertain significance for Autosomal recessive spinocerebellar ataxia 20. Last evaluated: 2026-10-14. Review status: criteria provided, single submitter. Criteria: ACMG Guidelines, 2015. Collection method: clinical testing. Allele origin: germline. Inheritance: Autosomal recessive inheritance. Affected: yes. Observed: 1 variant allele, 1 homozygote.
Comment: The SNX14 gene encodes sorting nexin 14, a protein involved in intracellular membrane trafficking, endosomal and lysosomal function, and autophagy. Disruption of SNX14 can impair cellular waste clearance and normal neuronal function. The first association between SNX14 and autosomal recessive spinocerebellar ataxia type 20 (SCAR20; OMIM: 616354) was reported in 2014 by Thomas and colleagues in The American Journal of Human Genetics. The variant c.510_511dup is a two-nucleotide duplication in the coding sequence: two adjacent DNA bases are duplicated and inserted into the sequence. Genetic testing identified a homozygous frameshift variant in SNX14 (ENST00000314673.8:exon6:c.510_511dup, p.Arg171HisfsTer8; chr6:85565370). The variant is not listed in ClinVar or InterVar, whereas VarSome classifies it as pathogenic (with PP4 at moderate strength). In this study, the clinical significance of the variant remains uncertain and requires further investigation, including follow-up clinical and imaging assessment.

Literature cited by the submitters: DOI 10.1016/j.ajhg.2014.10.007.